The following is an entry in ClinVar:

ClinVar aggregate classification (germline): Uncertain significance (1 of 4 stars; one submission).

Submission:

GeneDx
Classification: Uncertain significance. Last evaluated: 2025-03-19. Review status: criteria provided, single submitter. Criteria: GeneDx Variant Classification Process June 2021. Collection method: clinical testing. Allele origin: germline. Affected: yes.
Comment: Not observed at significant frequency in large population cohorts (gnomAD); In silico analysis supports that this missense variant has a deleterious effect on protein structure/function; Has not been previously published as pathogenic or benign to our knowledge

NM_016284.5(CNOT1):c.2741C>T (p.Ala914Val)

Gene: CNOT1 (CCR4-NOT transcription complex subunit 1; minus strand). Cytogenetic location: 16q21.
Variant type: single nucleotide variant.
Coding change: c.2741C>T on transcript NM_016284.5 (MANE Select); coding-DNA position 2741, C replaced by T.
Protein change: p.Ala914Val; replaces alanine 914 with valine.
Molecular consequence: missense variant. On other transcripts: non-coding transcript variant (1).
Genome position (GRCh38, 1-based): chr16:58,555,401, G>A on the plus strand (C>T on the coding strand, the complement: CNOT1 is on the minus strand). VCF-style: chr16-58555401-G-A. GRCh37 (hg19) VCF-style: chr16-58589305-G-A.
Other names: c.2726C>T, p.Ala909Val (NM_001265612.2); c.2741C>T, p.Ala914Val (NM_206999.3); short protein forms A909V, A914V.
Identifiers: ClinVar variation 4086473 (VCV004086473.1).